The following is an entry in ClinVar:

NM_006172.4(NPPA):c.124-7T>C

Genes: NPPA (natriuretic peptide A; minus strand), NPPA-AS1 (NPPA antisense RNA 1; plus strand), LOC114827827 (VISTA enhancer hs2123; plus strand). Cytogenetic location: 1p36.22.
Variant type: single nucleotide variant.
Coding change: c.124-7T>C on transcript NM_006172.4 (MANE Select); 7 bases into the intron before coding-DNA position 124, T replaced by C.
Molecular consequence: intron variant. On other transcripts: non-coding transcript variant (1).
Genome position (GRCh38, 1-based): chr1:11,847,446, A>G on the plus strand (T>C on the coding strand, the complement: NPPA is on the minus strand). VCF-style: chr1-11847446-A-G. GRCh37 (hg19) VCF-style: chr1-11907503-A-G.
Other names: c.124-7T>C (NM_006172.3).
Identifiers: ClinVar variation 1100620 (VCV001100620.11), dbSNP rs574725428, ClinGen allele CA597083.
Genomic context (GRCh38, chr1:11,847,446, plus strand): 5'-GGGCACGACCTCATCTTCTAAAGGCATCTTTTCTTCCAAATGGTCCAGCAAATTCTTTAG[A>G]AAAGGAAAATACAGGGAAAGGGATAAACCTCACTGACTTGGAGGAAATCAAGAGGAGTGA-3'

ClinVar aggregate classification (germline): Likely benign. Review status: criteria provided, single submitter (1 of 4 stars). 2 submissions from 2 submitters: Likely benign (1). 1 of the submissions does not count toward it. Last evaluated 2024-11-27.

Conditions:
NPPA-related disorder. Also called: NPPA-related condition.
Atrial fibrillation, familial, 6 (ATFB6). Identifiers: MedGen C2677294, MONDO:0012816, OMIM 612201.

Allele frequency attached by ClinVar (database versions not stated): ExAC 0.00005; gnomAD exomes 0.00005; 1000 Genomes Project 30x 0.00016; 1000 Genomes Project 0.00020.

Submissions (2):

Labcorp Genetics (formerly Invitae), Labcorp
Classification: Likely benign for Atrial fibrillation, familial, 6. Last evaluated: 2024-11-27. Review status: criteria provided, single submitter. Criteria: Invitae Variant Classification Sherloc (09022015). Collection method: clinical testing. Allele origin: germline.

PreventionGenetics, part of Exact Sciences
Classification: Likely benign for NPPA-related condition. Last evaluated: 2020-03-09. Review status: no assertion criteria provided. Collection method: clinical testing. Allele origin: germline. Not counted in ClinVar's aggregate classification.
Comment: This variant is classified as likely benign based on ACMG/AMP sequence variant interpretation guidelines (Richards et al. 2015 PMID: 25741868, with internal and published modifications).